The following is an entry in ClinVar:

NM_001164508.2(NEB):c.403-1G>C

Gene: NEB (nebulin; minus strand). Cytogenetic location: 2q23.3.
Variant type: single nucleotide variant.
Coding change: c.403-1G>C on transcript NM_001164508.2 (MANE Select); the canonical splice acceptor site of the intron before coding-DNA position 403, G replaced by C.
Molecular consequence: splice acceptor variant.
Genome position (GRCh38, 1-based): chr2:151,724,962, C>G on the plus strand (G>C on the coding strand, the complement: NEB is on the minus strand). VCF-style: chr2-151724962-C-G. GRCh37 (hg19) VCF-style: chr2-152581476-C-G.
Other names: c.403-1G>C (NM_004543.5, NM_001164507.2, NM_001271208.2).
Identifiers: ClinVar variation 2099223 (VCV002099223.4), dbSNP rs2552279788, ClinGen allele CA348792870.

ClinVar aggregate classification (germline): Likely pathogenic (1 of 4 stars; one submission).

Conditions:
Nemaline myopathy 2 (NEM2). Also called: Nemaline myopathy 2, autosomal recessive. Identifiers: MedGen C1850569, MONDO:0009725, OMIM 256030.

Submission:

Labcorp Genetics (formerly Invitae), Labcorp
Classification: Likely pathogenic for Nemaline myopathy 2. Last evaluated: 2022-02-19. Review status: criteria provided, single submitter. Criteria: Invitae Variant Classification Sherloc (09022015). Collection method: clinical testing. Allele origin: germline.
Comment: This sequence change affects an acceptor splice site in intron 6 of the NEB gene. It is expected to disrupt RNA splicing. Variants that disrupt the donor or acceptor splice site typically lead to a loss of protein function (PMID: 16199547), and loss-of-function variants in NEB are known to be pathogenic (PMID: 25205138). In summary, the currently available evidence indicates that the variant is pathogenic, but additional data are needed to prove that conclusively. Therefore, this variant has been classified as Likely Pathogenic. Algorithms developed to predict the effect of sequence changes on RNA splicing suggest that this variant may disrupt the consensus splice site. This variant has not been reported in the literature in individuals affected with NEB-related conditions. This variant is not present in population databases (gnomAD no frequency).

Literature cited by the submitters: PubMed 16199547; PubMed 25205138.